The following is an entry in ClinVar:

NM_000492.4(CFTR):c.3559C>G (p.Leu1187Val)

Genes: CFTR-AS2 (CFTR antisense RNA 2; minus strand), CFTR (CF transmembrane conductance regulator; plus strand). Cytogenetic location: 7q31.2.
Variant type: single nucleotide variant.
Coding change: c.3559C>G on transcript NM_000492.4 (MANE Select); coding-DNA position 3559, C replaced by G.
Protein change: p.Leu1187Val; replaces leucine 1187 with valine.
Molecular consequence: missense variant.
Genome position (GRCh38, 1-based): chr7:117,627,612, C>G. VCF-style: chr7-117627612-C-G. GRCh37 (hg19) VCF-style: chr7-117267666-C-G.
Other names: short protein forms L1187V.
Identifiers: ClinVar variation 1732663 (VCV001732663.4), dbSNP rs763298273, ClinGen allele CA4451498.

ClinVar aggregate classification (germline): Uncertain significance. Review status: criteria provided, multiple submitters, no conflicts (2 of 4 stars). 2 submissions from 2 submitters: Uncertain significance (2). Last evaluated 2024-06-06.

Conditions:
Cystic fibrosis (CF). Also called: MUCOVISCIDOSIS. Identifiers: Orphanet 586, MedGen C0010674, MONDO:0009061, OMIM 219700. Disease mechanism: loss of function.

gnomAD v4.1: 1 of 1,613,492 alleles (0.000062%); highest among the groups gnomAD compares: Non-Finnish European, 0.000085%; no homozygotes.

Submissions (2):

Labcorp Genetics (formerly Invitae), Labcorp
Classification: Uncertain significance for Cystic fibrosis. Last evaluated: 2024-06-06. Review status: criteria provided, single submitter. Criteria: Invitae Variant Classification Sherloc (09022015). Collection method: clinical testing. Allele origin: germline.
Comment: This sequence change replaces leucine, which is neutral and non-polar, with valine, which is neutral and non-polar, at codon 1187 of the CFTR protein (p.Leu1187Val). This variant is present in population databases (rs763298273, gnomAD 0.002%). This variant has not been reported in the literature in individuals affected with CFTR-related conditions. ClinVar contains an entry for this variant (Variation ID: 1732663). Advanced modeling of protein sequence and biophysical properties (such as structural, functional, and spatial information, amino acid conservation, physicochemical variation, residue mobility, and thermodynamic stability) performed at Invitae indicates that this missense variant is not expected to disrupt CFTR protein function with a negative predictive value of 95%. In summary, the available evidence is currently insufficient to determine the role of this variant in disease. Therefore, it has been classified as a Variant of Uncertain Significance.

Ambry Genetics
Classification: Uncertain significance for Cystic fibrosis. Last evaluated: 2021-08-15. Review status: criteria provided, single submitter. Criteria: Ambry Variant Classification Scheme 2023. Collection method: clinical testing. Allele origin: germline.
Comment: The p.L1187V variant (also known as c.3559C>G), located in coding exon 22 of the CFTR gene, results from a C to G substitution at nucleotide position 3559. The leucine at codon 1187 is replaced by valine, an amino acid with highly similar properties. This amino acid position is conserved. In addition, the in silico prediction for this alteration is inconclusive. Since supporting evidence is limited at this time, the clinical significance of this alteration remains unclear.